The following is an entry in ClinVar:

ClinVar aggregate classification (germline): Uncertain significance. Review status: criteria provided, multiple submitters, no conflicts (2 of 4 stars). 2 submissions from 2 submitters: Uncertain significance (2). Last evaluated 2024-09-12.

Conditions:
Inborn genetic diseases. Identifiers: MedGen C0950123, MeSH D030342.

Allele frequency attached by ClinVar (database versions not stated): gnomAD exomes below 0.00001.
gnomAD v4.1: 2 of 1,550,108 alleles (0.00013%); highest among the groups gnomAD compares: Non-Finnish European, 0.00017%; no homozygotes.

Submissions (2):

Ambry Genetics
Classification: Uncertain significance for Inborn genetic diseases. Last evaluated: 2024-09-12. Review status: criteria provided, single submitter. Criteria: Ambry Variant Classification Scheme 2023. Collection method: clinical testing. Allele origin: germline.

Labcorp Genetics (formerly Invitae), Labcorp
Classification: Uncertain significance. Last evaluated: 2021-06-04. Review status: criteria provided, single submitter. Criteria: Invitae Variant Classification Sherloc (09022015). Collection method: clinical testing. Allele origin: germline.
Comment: This sequence change replaces valine with methionine at codon 1128 of the UNC80 protein (p.Val1128Met). The valine residue is weakly conserved and there is a small physicochemical difference between valine and methionine. This variant is not present in population databases (ExAC no frequency). This variant has not been reported in the literature in individuals with UNC80-related conditions. Algorithms developed to predict the effect of missense changes on protein structure and function are either unavailable or do not agree on the potential impact of this missense change (SIFT: "Not Available"; PolyPhen-2: "Probably Damaging"; Align-GVGD: "Not Available"). In summary, the available evidence is currently insufficient to determine the role of this variant in disease. Therefore, it has been classified as a Variant of Uncertain Significance.

NM_001371986.1(UNC80):c.3376G>A (p.Val1126Met)

Gene: UNC80 (unc-80 subunit of NALCN channel complex; plus strand). Cytogenetic location: 2q34.
Variant type: single nucleotide variant.
Coding change: c.3376G>A on transcript NM_001371986.1 (MANE Select); coding-DNA position 3376, G replaced by A.
Protein change: p.Val1126Met; replaces valine 1126 with methionine.
Molecular consequence: missense variant.
Genome position (GRCh38, 1-based): chr2:209,842,368, G>A. VCF-style: chr2-209842368-G-A. GRCh37 (hg19) VCF-style: chr2-210707092-G-A.
Other names: c.3382G>A, p.Val1128Met (NM_032504.2); c.3367G>A, p.Val1123Met (NM_182587.4); c.3382G>A (NM_032504.1); short protein forms V1128M, V1123M, V1126M.
Identifiers: ClinVar variation 1496258 (VCV001496258.9), dbSNP rs2124822962, ClinGen allele CA350731951.